The following is an entry in ClinVar:

ClinVar aggregate classification (germline): Uncertain significance (1 of 4 stars; one submission).

Conditions:
Autosomal dominant polycystic kidney disease. Identifiers: Orphanet 730, MedGen C0085413, MONDO:0004691.

gnomAD v4.1: 1 of 1,521,742 alleles (0.000066%); highest among the groups gnomAD compares: Non-Finnish European, 0.000088%; no homozygotes.

Submission:

Labcorp Genetics (formerly Invitae), Labcorp
Classification: Uncertain significance for Autosomal dominant polycystic kidney disease. Last evaluated: 2024-03-20. Review status: criteria provided, single submitter. Criteria: Invitae Variant Classification Sherloc (09022015). Collection method: clinical testing. Allele origin: germline.
Comment: This sequence change replaces glutamic acid, which is acidic and polar, with lysine, which is basic and polar, at codon 106 of the PKD2 protein (p.Glu106Lys). This variant is not present in population databases (gnomAD no frequency). This variant has not been reported in the literature in individuals affected with PKD2-related conditions. An algorithm developed to predict the effect of missense changes on protein structure and function (PolyPhen-2) suggests that this variant is likely to be disruptive. In summary, the available evidence is currently insufficient to determine the role of this variant in disease. Therefore, it has been classified as a Variant of Uncertain Significance.

NM_000297.4(PKD2):c.316G>A (p.Glu106Lys)

Genes: PKD2 (polycystin 2, transient receptor potential cation channel; plus strand), LOC129992813 (ATAC-STARR-seq lymphoblastoid silent region 15559; plus strand). Cytogenetic location: 4q22.1.
Variant type: single nucleotide variant.
Coding change: c.316G>A on transcript NM_000297.4 (MANE Select); coding-DNA position 316, G replaced by A.
Protein change: p.Glu106Lys; replaces glutamic acid 106 with lysine.
Molecular consequence: missense variant. On other transcripts: non-coding transcript variant (1).
Genome position (GRCh38, 1-based): chr4:88,008,049, G>A. VCF-style: chr4-88008049-G-A. GRCh37 (hg19) VCF-style: chr4-88929201-G-A.
Other names: short protein forms E106K.
Identifiers: ClinVar variation 3666689 (VCV003666689.2).